The following is an entry in ClinVar:

ClinVar aggregate classification (germline): Pathogenic/Likely pathogenic. Review status: criteria provided, multiple submitters, no conflicts (2 of 4 stars). 3 submissions from 3 submitters: Pathogenic (2); Likely pathogenic (1). Last evaluated 2024-06-27.

Conditions:
Hereditary cancer-predisposing syndrome. Also called: Hereditary neoplastic syndrome; Tumor predisposition; Neoplastic Syndromes, Hereditary; Hereditary Cancer Syndrome. Identifiers: Orphanet 140162, MedGen C0027672, MeSH D009386, MONDO:0015356.
Lynch syndrome 5 (LYNCH5). Also called: Hereditary non-polyposis colorectal cancer, type 5; Colorectal cancer, hereditary nonpolyposis, type 5. Identifiers: Orphanet 144, MedGen C1833477, MONDO:0013710, OMIM 614350. Disease mechanism: loss of function.
Hereditary nonpolyposis colorectal neoplasms. Identifiers: MedGen C0009405, MeSH D003123.

Submissions (3):

Ambry Genetics
Classification: Pathogenic for Hereditary cancer-predisposing syndrome. Last evaluated: 2024-06-27. Review status: criteria provided, single submitter. Criteria: Ambry Variant Classification Scheme 2023. Collection method: clinical testing. Allele origin: germline.
Comment: The c.2943dupT pathogenic mutation, located in coding exon 4 of the MSH6 gene, results from a duplication of T at nucleotide position 2943, causing a translational frameshift with a predicted alternate stop codon (p.P982Sfs*2). This variant is considered to be rare based on population cohorts in the Genome Aggregation Database (gnomAD). This alteration is expected to result in loss of function by premature protein truncation or nonsense-mediated mRNA decay. As such, this alteration is interpreted as a disease-causing mutation.

Labcorp Genetics (formerly Invitae), Labcorp
Classification: Pathogenic for Hereditary nonpolyposis colorectal neoplasms. Last evaluated: 2024-04-10. Review status: criteria provided, single submitter. Criteria: Invitae Variant Classification Sherloc (09022015). Collection method: clinical testing. Allele origin: germline.
Comment: This sequence change creates a premature translational stop signal (p.Pro982Serfs*2) in the MSH6 gene. It is expected to result in an absent or disrupted protein product. Loss-of-function variants in MSH6 are known to be pathogenic (PMID: 18269114, 24362816). This variant is not present in population databases (gnomAD no frequency). This variant has not been reported in the literature in individuals affected with MSH6-related conditions. ClinVar contains an entry for this variant (Variation ID: 1698747). For these reasons, this variant has been classified as Pathogenic.

Genetics and Molecular Pathology, SA Pathology
Classification: Likely pathogenic for Lynch syndrome 5. Last evaluated: 2020-08-19. Review status: criteria provided, single submitter. Criteria: ACMG Guidelines, 2015. Collection method: clinical testing. Allele origin: germline.
Comment: The MSH6 c.2943dupT variant is classified as Likely Pathogenic (PVS1, PM2)

Literature cited by the submitters: PubMed 18269114 (cited by Labcorp Genetics (formerly Invitae), Labcorp); PubMed 24362816 (cited by Labcorp Genetics (formerly Invitae), Labcorp).

NM_000179.3(MSH6):c.2943dup (p.Pro982fs)

Gene: MSH6 (mutS homolog 6; plus strand). Cytogenetic location: 2p16.3.
Variant type: Duplication.
Coding change: c.2943dup on transcript NM_000179.3 (MANE Select); coding-DNA position 2943, one base duplicated (T; older notation c.2943dupT).
Protein change: p.Pro982fs; shifts the reading frame from proline 982.
Molecular consequence: frameshift variant.
Genome position (GRCh38, 1-based): chr2:47,800,926, T duplicated; the last of 2 consecutive T bases (chr2:47,800,925-47,800,926); duplicating either gives the same sequence. VCF-style (leftmost placement, unchanged base first): chr2-47800924-A-AT. GRCh37 (hg19) VCF-style: chr2-48028063-A-AT.
Other names: c.2553dup, p.Pro852fs (NM_001281492.2); c.2037dup, p.Pro680fs (NM_001281493.2, NM_001281494.2); short protein forms P680fs, P852fs, P982fs.
Identifiers: ClinVar variation 1698747 (VCV001698747.6), dbSNP rs2104432135, ClinGen allele CA1139532290.